The following is an entry in ClinVar:

ClinVar aggregate classification (germline): Uncertain significance (0 of 4 stars; one submission).

Conditions:
SQSTM1-related disorder. Also called: SQSTM1-Related Disorders.

gnomAD v4.1: 3 of 1,613,918 alleles (0.00019%); highest among the groups gnomAD compares: Non-Finnish European, 0.00025%; no homozygotes.

Submission:

PreventionGenetics, part of Exact Sciences
Classification: Uncertain significance for SQSTM1-related condition. Last evaluated: 2024-05-02. Review status: no assertion criteria provided. Collection method: clinical testing. Allele origin: germline.
Comment: The SQSTM1 c.512C>T variant is predicted to result in the amino acid substitution p.Pro171Leu. To our knowledge, this variant has not been reported in the literature or in a large population database, indicating this variant is rare. At this time, the clinical significance of this variant is uncertain due to the absence of conclusive functional and genetic evidence.

NM_003900.5(SQSTM1):c.512C>T (p.Pro171Leu)

Gene: SQSTM1 (sequestosome 1; plus strand). Cytogenetic location: 5q35.3.
Variant type: single nucleotide variant.
Coding change: c.512C>T on transcript NM_003900.5 (MANE Select); coding-DNA position 512, C replaced by T.
Protein change: p.Pro171Leu; replaces proline 171 with leucine.
Molecular consequence: missense variant.
Genome position (GRCh38, 1-based): chr5:179,824,068, C>T. VCF-style: chr5-179824068-C-T. GRCh37 (hg19) VCF-style: chr5-179251068-C-T.
Other names: c.260C>T, p.Pro87Leu (NM_001142298.2, NM_001142299.2); short protein forms P171L, P87L.
Identifiers: ClinVar variation 3347411 (VCV003347411.1).